The following is an entry in ClinVar:

ClinVar aggregate classification (germline): Pathogenic. Review status: criteria provided, multiple submitters, no conflicts (2 of 4 stars). 8 submissions from 8 submitters: Pathogenic (7). 1 of the submissions does not count toward it. Last evaluated 2026-04-15.

Conditions:
Tay-Sachs disease (TSD). Also called: HEXA DEFICIENCY; GM2 gangliosidosis, type 1; Hexosaminidase alpha-subunit deficiency (variant B); Sphingolipidosis, Tay-Sachs; Hexosaminidase A Deficiency; HEXA Disorders. Identifiers: Orphanet 845, MedGen C0039373, MONDO:0010100, OMIM 272800.

Allele frequency attached by ClinVar (database versions not stated): gnomAD 0.00001.
gnomAD v4.1: 5 of 1,613,900 alleles (0.00031%); highest among the groups gnomAD compares: Admixed American, 0.0017%; no homozygotes.

Submissions (8):

Dasa
Classification: Pathogenic. Last evaluated: 2026-04-15. Review status: criteria provided, single submitter. Criteria: DASA Assertion Criteria. Collection method: clinical testing. Allele origin: germline.
Comment: NM_000520.6(HEXA):c.805+1G>C introduces a premature termination codon predicted to result in loss of normal protein function. Loss-of-function is an established mechanism of disease for this gene. This variant results in the same amino acid change as a previously established pathogenic variant. This variant has been observed in affected individuals with related phenotype in a genotype context consistent with recessive disease (PMID: 7827134; PMID: 22723944; PMID: 15065574). This variant has been recurrently observed in individuals with related phenotype (PMID: 7827134; PMID: 22723944; PMID: 15065574). The variant is present at low frequency in population datasets. Based on the available data, this variant is classified as pathogenic.

Natera, Inc.
Classification: Pathogenic for Tay-Sachs disease. Last evaluated: 2025-12-23. Review status: criteria provided, single submitter. Criteria: Natera Variant Classification Schema (03/2026). Collection method: clinical testing. Allele origin: germline.
Comment: The c.805+1G>C variant in HEXA is a canonical splice donor site variant predicted to affect pre-mRNA splicing, which may result in an abnormal transcript and altered protein product. This variant is expected to result in nonsense mediated decay, truncation, or a dysfunctional protein product. This variant is rare in the general population with a frequency below the threshold expected for the associated phenotype(s). This variant has been observed in one or more individuals affected with the associated recessive disease, as either homozygous or compound heterozygous with a second variant (PMID: 23852624). Another variant at this same site results in an alteration predicted to cause a similar molecular effect has been observed in individual(s) with the associated phenotype. Given the available evidence, this variant is classified as Pathogenic.

Labcorp Genetics (formerly Invitae), Labcorp
Classification: Pathogenic for Tay-Sachs disease. Last evaluated: 2025-08-04. Review status: criteria provided, single submitter. Criteria: Invitae Variant Classification Sherloc (09022015). Collection method: clinical testing. Allele origin: germline.
Comment: This sequence change affects a donor splice site in intron 7 of the HEXA gene. It is expected to disrupt RNA splicing. Variants that disrupt the donor or acceptor splice site typically lead to a loss of protein function (PMID: 16199547), and loss-of-function variants in HEXA are known to be pathogenic (PMID: 1833974, 8490625). The frequency data for this variant in the population databases is considered unreliable, as metrics indicate poor data quality at this position in the gnomAD database. Disruption of this splice site has been observed in individual(s) with Tay-Sachs disease (PMID: 7827134, 22723944). ClinVar contains an entry for this variant (Variation ID: 375358). Algorithms developed to predict the effect of sequence changes on RNA splicing suggest that this variant may disrupt the consensus splice site. For these reasons, this variant has been classified as Pathogenic.

Laboratorio de Genetica e Diagnostico Molecular, Hospital Israelita Albert Einstein
Classification: Pathogenic for Tay-Sachs disease. Last evaluated: 2022-05-26. Review status: criteria provided, single submitter. Criteria: ACMG Guidelines, 2015. Collection method: clinical testing. Allele origin: germline. Affected: yes.
Comment: ACMG classification criteria: PVS1 very strong, PS4 supporting, PM2 moderated, PM3 supporting

Fulgent Genetics
Classification: Pathogenic for Tay-Sachs disease. Last evaluated: 2021-08-11. Review status: criteria provided, single submitter. Criteria: ACMG Guidelines, 2015. Collection method: clinical testing. Allele origin: unknown.

Women's Health and Genetics/Laboratory Corporation of America, LabCorp
Classification: Pathogenic for Tay-Sachs disease. Last evaluated: 2020-08-03. Review status: criteria provided, single submitter. Criteria: LabCorp Variant Classification Summary - May 2015. Collection method: clinical testing. Allele origin: germline.
Comment: Variant summary: HEXA c.805+1G>C is located in a canonical splice-site and is predicted to affect mRNA splicing resulting in a significantly altered protein due to either exon skipping, shortening, or inclusion of intronic material. Several computational tools predict a significant impact on normal splicing: four predict the variant abolishes a 5' splicing donor site. At least one publication reported experimental evidence that this variant affects mRNA splicing, and demonstrated the lack of exon 7 in patient derived mRNA (Ribeiro_1995). The variant allele was found at a frequency of 4e-06 in 251436 control chromosomes (gnomAD). c.805+1G>C has been reported in the literature in multiple homozygous- and compound heterozygous individuals affected with Tay-Sachs Disease (e.g. Ribeiro_1995, Rozenberg_2004). These data indicate that the variant is very likely to be associated with disease. One of these publications also reported experimental evidence evaluating an impact on protein function, and demonstrated the lack of enzyme activity in leucocytes derived from a homozygous patient (Ribeiro_1995). One clinical diagnostic laboratory has submitted clinical-significance assessments for this variant to ClinVar after 2014, and classified the variant as pathogenic. Based on the evidence outlined above, the variant was classified as pathogenic.

Kasturba Medical College, Manipal, Kasturba Medical College, Manipal, Manipal Academy of Higher Education, Manipal, India
Classification: Pathogenic for Tay-Sachs disease. Review status: criteria provided, single submitter. Criteria: ACMG Guidelines, 2015. Collection method: clinical testing. Allele origin: inherited. Inheritance: Autosomal recessive inheritance. Affected: yes.

Foundation for Research in Genetics and Endocrinology, FRIGE's Institute of Human Genetics
Classification: Pathogenic for Tay-Sachs disease. Last evaluated: 2011-08-11. Review status: no assertion criteria provided. Collection method: research. Allele origin: germline. Inheritance: Autosomal recessive inheritance. Affected: yes. Observed: 1 homozygote. Not counted in ClinVar's aggregate classification.

Literature cited by the submitters: PubMed 7827134 (cited by 3 submitters); PubMed 22723944 (cited by 3 submitters); PubMed 15065574 (cited by Dasa and Women's Health and Genetics/Laboratory Corporation of America, LabCorp); PubMed 23852624 (cited by Natera, Inc.); PubMed 16199547 (cited by Labcorp Genetics (formerly Invitae), Labcorp); PubMed 1833974 (cited by Labcorp Genetics (formerly Invitae), Labcorp); PubMed 8490625 (cited by Labcorp Genetics (formerly Invitae), Labcorp).

NM_000520.6(HEXA):c.805+1G>C

Gene: HEXA (hexosaminidase subunit alpha; minus strand). Cytogenetic location: 15q23.
Variant type: single nucleotide variant.
Coding change: c.805+1G>C on transcript NM_000520.6 (MANE Select); the canonical splice donor site of the intron after coding-DNA position 805, G replaced by C.
Molecular consequence: splice donor variant.
Genome position (GRCh38, 1-based): chr15:72,350,517, C>G on the plus strand (G>C on the coding strand, the complement: HEXA is on the minus strand). VCF-style: chr15-72350517-C-G. GRCh37 (hg19) VCF-style: chr15-72642858-C-G.
Other names: c.838+1G>C (NM_001318825.2).
Identifiers: ClinVar variation 375358 (VCV000375358.23), dbSNP rs121907980, ClinGen allele CA16044203.